The following is an entry in ClinVar:

ClinVar aggregate classification (germline): Benign (1 of 4 stars; one submission).

Conditions:
Vitamin K-dependent clotting factors, combined deficiency of, type 1. Also called: FACTORS II, VII, IX, AND X, COMBINED DEFICIENCY OF; FAMILIAL MULTIPLE COAGULATION FACTOR DEFICIENCY III; FMFD III; GLUTAMIC ACID, DEFICIENT GAMMA-CARBOXYLATION OF; MULTIPLE COAGULATION FACTOR DEFICIENCY III; VITAMIN K-DEPENDENT COAGULATION DEFECT. Identifiers: Orphanet 98434, MedGen C1848534, MONDO:0010187, OMIM 277450.

Allele frequency attached by ClinVar (database versions not stated): 1000 Genomes Project 0.01078; 1000 Genomes Project 30x 0.01156; TOPMed 0.01626; gnomAD 0.01823 and 0.01846; gnomAD exomes 0.05814.
gnomAD v4.1: 2,803 of 152,678 alleles (1.8%); highest among the groups gnomAD compares: Middle Eastern, 3.4%; 37 homozygotes.

Submission:

Illumina Laboratory Services, Illumina
Classification: Benign for Vitamin K-dependent clotting factors, combined deficiency of, type 1. Last evaluated: 2018-01-13. Review status: criteria provided, single submitter. Criteria: ICSL Variant Classification Criteria 13 December 2019. Collection method: clinical testing. Allele origin: germline.
Comment: This variant was observed in the ICSL laboratory as part of a predisposition screen in an ostensibly healthy population. It had not been previously curated by ICSL or reported in the Human Gene Mutation Database (HGMD: prior to June 1st, 2018), and was therefore a candidate for classification through an automated scoring system. Utilizing variant allele frequency, disease prevalence and penetrance estimates, and inheritance mode, an automated score was calculated to assess if this variant is too frequent to cause the disease. Based on the score and internal cut-off values, a variant classified as benign is not then subjected to further curation. The score for this variant resulted in a classification of benign for this disease.

NM_000821.7(GGCX):c.*4579G>A

Gene: GGCX (gamma-glutamyl carboxylase; minus strand). Cytogenetic location: 2p11.2.
Variant type: single nucleotide variant.
Coding change: c.*4579G>A on transcript NM_000821.7 (MANE Select); 4579 bases downstream of the stop codon, G replaced by A.
Molecular consequence: 3 prime UTR variant.
Genome position (GRCh38, 1-based): chr2:85,545,355, C>T on the plus strand (G>A on the coding strand, the complement: GGCX is on the minus strand). VCF-style: chr2-85545355-C-T. GRCh37 (hg19) VCF-style: chr2-85772478-C-T.
Other names: c.*4579G>A (NM_001142269.4).
Identifiers: ClinVar variation 337176 (VCV000337176.5), dbSNP rs138686161, ClinGen allele CA10614460.